The following is an entry in ClinVar:

NM_005188.4(CBL):c.739C>G (p.Leu247Val)

Gene: CBL (Cbl proto-oncogene; plus strand). Cytogenetic location: 11q23.3.
Variant type: single nucleotide variant.
Coding change: c.739C>G on transcript NM_005188.4 (MANE Select); coding-DNA position 739, C replaced by G.
Protein change: p.Leu247Val; replaces leucine 247 with valine.
Molecular consequence: missense variant.
Genome position (GRCh38, 1-based): chr11:119,274,016, C>G. VCF-style: chr11-119274016-C-G. GRCh37 (hg19) VCF-style: chr11-119144726-C-G.
Other names: short protein forms L247V.
Identifiers: ClinVar variation 3634384 (VCV003634384.2).

ClinVar aggregate classification (germline): Uncertain significance (1 of 4 stars; one submission).

Conditions:
RASopathy. Also called: rasopathies; Noonan spectrum disorder. Identifiers: Orphanet 536391, MedGen C5555857, MONDO:0021060.

gnomAD v4.1: 1 of 1,612,812 alleles (0.000062%); highest among the groups gnomAD compares: Non-Finnish European, 0.000085%; no homozygotes.

Submission:

Labcorp Genetics (formerly Invitae), Labcorp
Classification: Uncertain significance for RASopathy. Last evaluated: 2024-07-07. Review status: criteria provided, single submitter. Criteria: Invitae Variant Classification Sherloc (09022015). Collection method: clinical testing. Allele origin: germline.
Comment: This sequence change replaces leucine, which is neutral and non-polar, with valine, which is neutral and non-polar, at codon 247 of the CBL protein (p.Leu247Val). This variant is not present in population databases (gnomAD no frequency). This variant has not been reported in the literature in individuals affected with CBL-related conditions. Advanced modeling of protein sequence and biophysical properties (such as structural, functional, and spatial information, amino acid conservation, physicochemical variation, residue mobility, and thermodynamic stability) has been performed at Invitae for this missense variant, however the output from this modeling did not meet the statistical confidence thresholds required to predict the impact of this variant on CBL protein function. In summary, the available evidence is currently insufficient to determine the role of this variant in disease. Therefore, it has been classified as a Variant of Uncertain Significance.